The following is an entry in ClinVar:

NM_002659.4(PLAUR):c.753C>T (p.His251=)

Gene: PLAUR (plasminogen activator, urokinase receptor; minus strand). Cytogenetic location: 19q13.31.
Variant type: single nucleotide variant.
Coding change: c.753C>T on transcript NM_002659.4 (MANE Select); coding-DNA position 753, C replaced by T.
Protein change: p.His251=; no amino-acid change (histidine 251 retained).
Molecular consequence: synonymous variant. On other transcripts: intron variant (1).
Genome position (GRCh38, 1-based): chr19:43,652,226, G>A on the plus strand (C>T on the coding strand, the complement: PLAUR is on the minus strand). VCF-style: chr19-43652226-G-A. GRCh37 (hg19) VCF-style: chr19-44156378-G-A.
Other names: c.753C>T, p.His251= (NM_001005376.3); c.618C>T, p.His206= (NM_001005377.3); c.608-3083C>T (NM_001301037.2).
Identifiers: ClinVar variation 773084 (VCV000773084.28), dbSNP rs4251946, ClinGen allele CA9490395.
Genomic context (GRCh38, chr19:43,652,226, plus strand): 5'-TCTTGCGGAACTCTCCACCCCCAATAAGTGTTCCCTCCCAGCCTCGGAGAGGGCCTCACC[G>A]TGAGTGCCGGTGGCTACCAGACATTGATTCATGGGGCCTCGGCAGTCAATGAGGAAAGTC-3'
Protein context (NP_002650.1, residues 241-261): MNQCLVATGT[His251=]EPKNQSYMVR

ClinVar aggregate classification (germline): Likely benign. Review status: criteria provided, multiple submitters, no conflicts (2 of 4 stars). 3 submissions from 3 submitters: Likely benign (3). Last evaluated 2023-01-01.

Allele frequency attached by ClinVar (database versions not stated): 1000 Genomes Project 30x 0.00203; 1000 Genomes Project 0.00220; TOPMed 0.00271; ESP Exome Variant Server 0.00308; gnomAD 0.00313 and 0.00315; gnomAD exomes 0.00367; ExAC 0.00408.
gnomAD v4.1: 7,056 of 1,613,966 alleles (0.44%); highest among the groups gnomAD compares: Non-Finnish European, 0.51%; 28 homozygotes.

Submissions (3):

CeGaT Center for Human Genetics Tuebingen
Classification: Likely benign. Last evaluated: 2023-01-01. Review status: criteria provided, single submitter. Criteria: CeGaT Center For Human Genetics Tuebingen Variant Classification Criteria Version 2. Collection method: clinical testing. Allele origin: germline. Affected: yes. Observed: 1 variant allele.
Comment: PLAUR: BP4, BP7, BS2

Labcorp Genetics (formerly Invitae), Labcorp
Classification: Likely benign. Last evaluated: 2018-08-28. Review status: criteria provided, single submitter. Criteria: Invitae Variant Classification Sherloc (09022015). Collection method: clinical testing. Allele origin: germline.

Breakthrough Genomics
Classification: Likely benign. Review status: criteria provided, single submitter. Criteria: ACMG Guidelines, 2015. Collection method: not provided. Allele origin: germline. Inheritance: Unknown mechanism. Affected: yes.